The following is an entry in ClinVar:

NM_001127222.2(CACNA1A):c.7261C>G (p.Pro2421Ala)

Gene: CACNA1A (calcium voltage-gated channel subunit alpha1 A; minus strand). Cytogenetic location: 19p13.13.
Variant type: single nucleotide variant.
Coding change: c.7261C>G on transcript NM_001127222.2 (MANE Select); coding-DNA position 7261, C replaced by G.
Protein change: p.Pro2421Ala; replaces proline 2421 with alanine.
Molecular consequence: missense variant. On other transcripts: 3 prime UTR variant (3).
Genome position (GRCh38, 1-based): chr19:13,207,573, G>C on the plus strand (C>G on the coding strand, the complement: CACNA1A is on the minus strand). VCF-style: chr19-13207573-G-C. GRCh37 (hg19) VCF-style: chr19-13318387-G-C.
Other names: c.*473C>G (NM_000068.4, NM_001127221.2, NM_001174080.2); c.7279C>G, p.Pro2427Ala (NM_023035.3); short protein forms P2421A, P2427A.
Identifiers: ClinVar variation 1217897 (VCV001217897.28), dbSNP rs544924244, ClinGen allele CA9239197.

ClinVar aggregate classification (germline): Likely benign. Review status: criteria provided, multiple submitters, no conflicts (2 of 4 stars). 3 submissions from 3 submitters: Likely benign (3). Last evaluated 2026-04-01.

Allele frequency attached by ClinVar (database versions not stated): TOPMed 0.00013; 1000 Genomes Project 0.00040; 1000 Genomes Project 30x 0.00062; gnomAD exomes 0.00067 and 0.00161; gnomAD 0.00124 and 0.00130.
gnomAD v4.1: 1,068 of 1,475,434 alleles (0.072%); highest among the groups gnomAD compares: Non-Finnish European, 0.026%; 8 homozygotes.

Submissions (3):

CeGaT Center for Human Genetics Tuebingen
Classification: Likely benign. Last evaluated: 2026-04-01. Review status: criteria provided, single submitter. Criteria: CeGaT Center For Human Genetics Tuebingen Variant Classification Criteria Version 2. Collection method: clinical testing. Allele origin: germline. Affected: yes. Observed: 2 variant alleles.
Comment: CACNA1A: BS1

Blueprint Genetics
Classification: Likely benign. Last evaluated: 2024-11-21. Review status: criteria provided, single submitter. Criteria: ACMG Guidelines, 2015. Collection method: clinical testing. Allele origin: germline.

GeneDx
Classification: Likely benign. Last evaluated: 2020-01-28. Review status: criteria provided, single submitter. Criteria: GeneDx Variant Classification Process June 2021. Collection method: clinical testing. Allele origin: germline. Affected: yes.